The following is an entry in ClinVar:

ClinVar aggregate classification (germline): Uncertain significance. Review status: criteria provided, multiple submitters, no conflicts (2 of 4 stars). 4 submissions from 4 submitters: Uncertain significance (4). Last evaluated 2025-11-16.

Conditions:
Familial cancer of breast. Also called: BREAST CANCER, FAMILIAL; Hereditary breast cancer; hereditary breast carcinoma. Identifiers: Orphanet 227535, MedGen C0346153, MONDO:0016419, OMIM 114480. Disease mechanism: loss of function.
Hereditary cancer-predisposing syndrome. Also called: Neoplastic Syndromes, Hereditary; Tumor predisposition; Hereditary Cancer Syndrome; Hereditary neoplastic syndrome. Identifiers: Orphanet 140162, MedGen C0027672, MeSH D009386, MONDO:0015356.

Allele frequency attached by ClinVar (database versions not stated): gnomAD exomes below 0.00001.
gnomAD v4.1: 1 of 1,611,076 alleles (0.000062%); highest among the groups gnomAD compares: Admixed American, 0.0017%; no homozygotes.

Submissions (4):

Labcorp Genetics (formerly Invitae), Labcorp
Classification: Uncertain significance for Familial cancer of breast. Last evaluated: 2025-11-16. Review status: criteria provided, single submitter. Criteria: Invitae Variant Classification Sherloc (09022015). Collection method: clinical testing. Allele origin: germline.
Comment: This sequence change replaces arginine, which is basic and polar, with glycine, which is neutral and non-polar, at codon 129 of the BARD1 protein (p.Arg129Gly). This variant is not present in population databases (gnomAD no frequency). This variant has not been reported in the literature in individuals affected with BARD1-related conditions. ClinVar contains an entry for this variant (Variation ID: 482804). An algorithm developed to predict the effect of missense changes on protein structure and function outputs the following: PolyPhen-2: "Benign". The glycine amino acid residue is found in multiple mammalian species, which suggests that this missense change does not adversely affect protein function. In summary, the available evidence is currently insufficient to determine the role of this variant in disease. Therefore, it has been classified as a Variant of Uncertain Significance.

GeneDx
Classification: Uncertain significance. Last evaluated: 2025-05-15. Review status: criteria provided, single submitter. Criteria: GeneDx Variant Classification Process June 2021. Collection method: clinical testing. Allele origin: germline. Affected: yes.
Comment: Not observed at significant frequency in large population cohorts (gnomAD); In silico analysis suggests that this missense variant does not alter protein structure/function; Has not been previously published as pathogenic or benign to our knowledge

Ambry Genetics
Classification: Uncertain significance for Hereditary cancer-predisposing syndrome. Last evaluated: 2025-02-21. Review status: criteria provided, single submitter. Criteria: Ambry Variant Classification Scheme 2023. Collection method: clinical testing. Allele origin: germline.
Comment: The p.R129G variant (also known as c.385A>G), located in coding exon 4 of the BARD1 gene, results from an A to G substitution at nucleotide position 385. The arginine at codon 129 is replaced by glycine, an amino acid with dissimilar properties. This amino acid position is not well conserved in available vertebrate species. In addition, this alteration is predicted to be tolerated by in silico analysis. Since supporting evidence is limited at this time, the clinical significance of this alteration remains unclear.

Baylor Genetics
Classification: Uncertain significance for Familial cancer of breast. Last evaluated: 2023-09-13. Review status: criteria provided, single submitter. Criteria: ACMG Guidelines, 2015. Collection method: clinical testing. Allele origin: unknown.

NM_000465.4(BARD1):c.385A>G (p.Arg129Gly)

Gene: BARD1 (BRCA1 associated RING domain 1; minus strand). Cytogenetic location: 2q35.
Variant type: single nucleotide variant.
Coding change: c.385A>G on transcript NM_000465.4 (MANE Select); coding-DNA position 385, A replaced by G.
Protein change: p.Arg129Gly; replaces arginine 129 with glycine.
Molecular consequence: missense variant. On other transcripts: non-coding transcript variant (2), intron variant (3).
Genome position (GRCh38, 1-based): chr2:214,781,489, T>C on the plus strand (A>G on the coding strand, the complement: BARD1 is on the minus strand). VCF-style: chr2-214781489-T-C. GRCh37 (hg19) VCF-style: chr2-215646213-T-C.
Other names: c.328A>G, p.Arg110Gly (NM_001282543.2); c.158+27923A>G (NM_001282548.2); c.215+15572A>G (NM_001282545.2); c.364+10808A>G (NM_001282549.2); short protein forms R129G, R110G.
Identifiers: ClinVar variation 482804 (VCV000482804.18), dbSNP rs1553622711, ClinGen allele CA350458229.